The following is an entry in ClinVar:

NM_178172.6(GPIHBP1):c.349A>G (p.Ile117Val)

Gene: GPIHBP1 (glycosylphosphatidylinositol anchored high density lipoprotein binding protein 1; plus strand). Cytogenetic location: 8q24.3.
Variant type: single nucleotide variant.
Coding change: c.349A>G on transcript NM_178172.6 (MANE Select); coding-DNA position 349, A replaced by G.
Protein change: p.Ile117Val; replaces isoleucine 117 with valine.
Molecular consequence: missense variant.
Genome position (GRCh38, 1-based): chr8:143,215,312, A>G. VCF-style: chr8-143215312-A-G. GRCh37 (hg19) VCF-style: chr8-144297187-A-G.
Other names: c.349A>G, p.Ile117Val (NM_001301772.2); short protein forms I117V.
Identifiers: ClinVar variation 4858159 (VCV004858159.1).

ClinVar aggregate classification (germline): Uncertain significance (1 of 4 stars; one submission).

Conditions:
Cardiovascular phenotype. Identifiers: MedGen CN230736.

gnomAD v4.1: 35 of 1,612,664 alleles (0.0022%); highest among the groups gnomAD compares: Admixed American, 0.0033%; no homozygotes.

Submission:

Ambry Genetics
Classification: Uncertain significance for Cardiovascular phenotype. Last evaluated: 2026-04-11. Review status: criteria provided, single submitter. Criteria: Ambry Variant Classification Scheme 2023. Collection method: clinical testing. Allele origin: germline.
Comment: The p.I117V variant (also known as c.349A>G), located in coding exon 4 of the GPIHBP1 gene, results from an A to G substitution at nucleotide position 349. The isoleucine at codon 117 is replaced by valine, an amino acid with highly similar properties. This amino acid position is conserved. In addition, this alteration is predicted to be tolerated by in silico analysis. Based on the available evidence, the clinical significance of this variant remains unclear.